The following is an entry in ClinVar:

ClinVar aggregate classification (germline): Uncertain significance (1 of 4 stars; one submission).

Conditions:
Familial thoracic aortic aneurysm and aortic dissection (TAAD). Also called: Thoracic aortic aneurysms and dissections. Identifiers: Orphanet 91387, MedGen C4707243, MONDO:0019625.

gnomAD v4.1: 11 of 1,565,490 alleles (0.0007%); highest among the groups gnomAD compares: South Asian, 0.013%; no homozygotes.

Submission:

Ambry Genetics
Classification: Uncertain significance for Familial thoracic aortic aneurysm and aortic dissection. Last evaluated: 2026-07-11. Review status: criteria provided, single submitter. Criteria: Ambry Variant Classification Scheme 2023. Collection method: clinical testing. Allele origin: germline.
Comment: The p.A656G variant (also known as c.1967C>G), located in coding exon 6 of the SKI gene, results from a C to G substitution at nucleotide position 1967. The alanine at codon 656 is replaced by glycine, an amino acid with similar properties. This amino acid position is conserved. In addition, the in silico prediction for this alteration is inconclusive. Based on the available evidence, the clinical significance of this variant remains unclear.

NM_003036.4(SKI):c.1967C>G (p.Ala656Gly)

Gene: SKI (SKI proto-oncogene; plus strand). Cytogenetic location: 1p36.32.
Variant type: single nucleotide variant.
Coding change: c.1967C>G on transcript NM_003036.4 (MANE Select); coding-DNA position 1967, C replaced by G.
Protein change: p.Ala656Gly; replaces alanine 656 with glycine.
Molecular consequence: missense variant.
Genome position (GRCh38, 1-based): chr1:2,306,219, C>G. VCF-style: chr1-2306219-C-G. GRCh37 (hg19) VCF-style: chr1-2237658-C-G.
Other names: short protein forms A656G.
Identifiers: ClinVar variation 5029577 (VCV005029577.1).